The following is an entry in ClinVar:

ClinVar aggregate classification (germline): Uncertain significance (1 of 4 stars; one submission).

Conditions:
Hereditary cancer-predisposing syndrome. Also called: Tumor predisposition; Hereditary Cancer Syndrome; Neoplastic Syndromes, Hereditary; Hereditary neoplastic syndrome. Identifiers: Orphanet 140162, MedGen C0027672, MeSH D009386, MONDO:0015356.

Submission:

Color Diagnostics, LLC DBA Color Health
Classification: Uncertain significance for Hereditary cancer-predisposing syndrome. Last evaluated: 2025-10-03. Review status: criteria provided, single submitter. Criteria: ACMG Guidelines, 2015. Collection method: clinical testing. Allele origin: germline.
Comment: This variant causes the deletion of two amino acids at positions 1598 and 1599 of the PMS2 protein and replaces them with glutamine. To our knowledge, functional studies have not been reported for this variant. This variant has not been reported in individuals affected with PMS2-related disorders in the literature. This variant has not been identified in the general population by the Genome Aggregation Database (gnomAD). The available evidence is insufficient to determine the role of this variant in disease conclusively. Therefore, this variant is classified as a Variant of Uncertain Significance.

NM_000535.7(PMS2):c.1598_1599insACA (p.Val533_Asp534insGln)

Gene: PMS2 (PMS1 homolog 2, mismatch repair system component; minus strand). Cytogenetic location: 7p22.1.
Variant type: Insertion.
Coding change: c.1598_1599insACA on transcript NM_000535.7 (MANE Select); coding-DNA positions 1598 to 1599, ACA inserted.
Protein change: p.Val533_Asp534insGln.
Molecular consequence: inframe insertion. On other transcripts: non-coding transcript variant (1), intron variant (1).
Genome position: GRCh38 VCF-style: chr7-5987166-C-CTGT. GRCh37 (hg19) VCF-style: chr7-6026797-C-CTGT.
Other names: c.1598_1599insACA, p.Val533_Asp534insGln (NM_001406872.1, NM_001322014.2, NM_001406871.1); c.1400_1401insACA, p.Val467_Asp468insGln (NM_001406873.1); c.1430_1431insACA, p.Val477_Asp478insGln (NM_001406874.1); c.1289_1290insACA, p.Val430_Asp431insGln (NM_001406875.1, NM_001406877.1, NM_001406878.1 and 5 more transcripts); c.1280_1281insACA, p.Val427_Asp428insGln (NM_001406876.1, NM_001406883.1, NM_001322007.2 and 2 more transcripts); c.1193_1194insACA, p.Val398_Asp399insGln (NM_001406887.1, NM_001406888.1, NM_001406889.1 and 16 more transcripts); c.1274_1275insACA, p.Val425_Asp426insGln (NM_001406884.1); c.1262_1263insACA, p.Val421_Asp422insGln (NM_001406885.1); and 13 more.
Identifiers: ClinVar variation 4758208 (VCV004758208.1).
Genomic context (GRCh38, chr7:5,987,166, plus strand): 5'-TGAATGGCAGTCCACATCTGAAAAAGAGTCGTCAGTTTTAGGCGCTTTCTCCTGAGAGTC[C>CTGT]ACATGTTCCTGCGAGCCCCTGTCCCCTGGGGAGCTGGCCGCATACTCGCTGCTGCAGTGA-3'